The following is an entry in ClinVar:

NM_007289.4(MME):c.97G>A (p.Val33Ile)

Gene: MME (membrane metalloendopeptidase; plus strand). Cytogenetic location: 3q25.2.
Variant type: single nucleotide variant.
Coding change: c.97G>A on transcript NM_007289.4 (MANE Select); coding-DNA position 97, G replaced by A.
Protein change: p.Val33Ile; replaces valine 33 with isoleucine.
Molecular consequence: missense variant.
Genome position (GRCh38, 1-based): chr3:155,084,264, G>A. VCF-style: chr3-155084264-G-A. GRCh37 (hg19) VCF-style: chr3-154802053-G-A.
Other names: c.97G>A, p.Val33Ile (NM_000902.5, NM_001354642.2, NM_001354643.1 and 3 more transcripts); short protein forms V33I.
Identifiers: ClinVar variation 1402948 (VCV001402948.5), dbSNP rs201171168, ClinGen allele CA2675007.
Genomic context (GRCh38, chr3:155,084,264, plus strand): 5'-ATCAACACTCCAAAGCCAAAGAAGAAACAGCGATGGACTCCACTGGAGATCAGCCTCTCG[G>A]TCCTTGTCCTGCTCCTCACCATCATAGCTGTGACAATGATCGCACTCTATGCAACCTACG-3'
Protein context (NP_009220.2, residues 23-43): RWTPLEISLS[Val33Ile]LVLLLTIIAV

ClinVar aggregate classification (germline): Uncertain significance (1 of 4 stars; one submission).

Allele frequency attached by ClinVar (database versions not stated): ExAC 0.00002; gnomAD exomes 0.00006 and 0.00015; ESP Exome Variant Server 0.00008; TOPMed 0.00008; gnomAD 0.00009.

Submission:

Labcorp Genetics (formerly Invitae), Labcorp
Classification: Uncertain significance. Last evaluated: 2022-06-30. Review status: criteria provided, single submitter. Criteria: Invitae Variant Classification Sherloc (09022015). Collection method: clinical testing. Allele origin: germline.
Comment: This sequence change replaces valine, which is neutral and non-polar, with isoleucine, which is neutral and non-polar, at codon 33 of the MME protein (p.Val33Ile). This variant is present in population databases (rs201171168, gnomAD 0.02%). This variant has not been reported in the literature in individuals affected with MME-related conditions. Algorithms developed to predict the effect of missense changes on protein structure and function (SIFT, PolyPhen-2, Align-GVGD) all suggest that this variant is likely to be tolerated. In summary, the available evidence is currently insufficient to determine the role of this variant in disease. Therefore, it has been classified as a Variant of Uncertain Significance.